The following is an entry in ClinVar:

ClinVar aggregate classification (germline): Likely benign. Review status: criteria provided, single submitter (1 of 4 stars). 2 submissions from 2 submitters: Likely benign (1). 1 of the submissions does not count toward it. Last evaluated 2025-11-01.

Conditions:
TTN-related disorder. Also called: TTN-related condition; TTN-related disease; TTN-related disorders.

Allele frequency attached by ClinVar (database versions not stated): gnomAD 0.00004.
gnomAD v4.1: 20 of 1,613,204 alleles (0.0012%); highest among the groups gnomAD compares: Admixed American, 0.01%; no homozygotes.

Submissions (2):

CeGaT Center for Human Genetics Tuebingen
Classification: Likely benign. Last evaluated: 2025-11-01. Review status: criteria provided, single submitter. Criteria: CeGaT Center For Human Genetics Tuebingen Variant Classification Criteria Version 2. Collection method: clinical testing. Allele origin: germline. Affected: yes. Observed: 2 variant alleles.
Comment: TTN: BP4, BP7

PreventionGenetics, part of Exact Sciences
Classification: Likely benign for TTN-related condition. Last evaluated: 2020-06-29. Review status: no assertion criteria provided. Collection method: clinical testing. Allele origin: germline. Not counted in ClinVar's aggregate classification.
Comment: This variant is classified as likely benign based on ACMG/AMP sequence variant interpretation guidelines (Richards et al. 2015 PMID: 25741868, with internal and published modifications).

NM_001267550.2(TTN):c.11312-4198C>T

Gene: TTN (titin; minus strand). Cytogenetic location: 2q31.2.
Variant type: single nucleotide variant.
Coding change: c.11312-4198C>T on transcript NM_001267550.2 (MANE Select); 4198 bases into the intron before coding-DNA position 11312, C replaced by T.
Molecular consequence: intron variant. On other transcripts: synonymous variant (1).
Genome position (GRCh38, 1-based): chr2:178,746,119, G>A on the plus strand (C>T on the coding strand, the complement: TTN is on the minus strand). VCF-style: chr2-178746119-G-A. GRCh37 (hg19) VCF-style: chr2-179610846-G-A.
Other names: c.10799-4198C>T (NM_133437.4); c.10598-4198C>T (NM_133432.3); c.10360+7005C>T (NM_133378.4); c.10361-4198C>T (NM_001256850.1); c.16281C>T, p.Tyr5427= (NM_133379.5); c.10223-4198C>T (NM_003319.4).
Identifiers: ClinVar variation 3036569 (VCV003036569.8), dbSNP rs778839761, ClinGen allele CA2002964.